The following is an entry in ClinVar:

NM_020971.3(SPTBN4):c.2242G>A (p.Ala748Thr)

Gene: SPTBN4 (spectrin beta, non-erythrocytic 4; plus strand). Cytogenetic location: 19q13.2.
Variant type: single nucleotide variant.
Coding change: c.2242G>A on transcript NM_020971.3 (MANE Select); coding-DNA position 2242, G replaced by A.
Protein change: p.Ala748Thr; replaces alanine 748 with threonine.
Molecular consequence: missense variant.
Genome position (GRCh38, 1-based): chr19:40,513,031, G>A. VCF-style: chr19-40513031-G-A. GRCh37 (hg19) VCF-style: chr19-41018938-G-A.
Other names: short protein forms A748T.
Identifiers: ClinVar variation 3365657 (VCV003365657.1).

ClinVar aggregate classification (germline): Uncertain significance (1 of 4 stars; one submission).

gnomAD v4.1: 44 of 1,422,176 alleles (0.0031%); highest among the groups gnomAD compares: Non-Finnish European, 0.0039%; no homozygotes.

Submission:

GeneDx
Classification: Uncertain significance. Last evaluated: 2023-12-18. Review status: criteria provided, single submitter. Criteria: GeneDx Variant Classification Process June 2021. Collection method: clinical testing. Allele origin: germline. Affected: yes.
Comment: Not observed at significant frequency in large population cohorts (gnomAD); In silico analysis supports that this missense variant does not alter protein structure/function; Has not been previously published as pathogenic or benign to our knowledge